The following is an entry in ClinVar:

NM_018975.4(TERF2IP):c.307C>G (p.Pro103Ala)

Gene: TERF2IP (TERF2 interacting protein; plus strand). Cytogenetic location: 16q23.1.
Variant type: single nucleotide variant.
Coding change: c.307C>G on transcript NM_018975.4 (MANE Select); coding-DNA position 307, C replaced by G.
Protein change: p.Pro103Ala; replaces proline 103 with alanine.
Molecular consequence: missense variant. On other transcripts: non-coding transcript variant (1).
Genome position (GRCh38, 1-based): chr16:75,648,189, C>G. VCF-style: chr16-75648189-C-G. GRCh37 (hg19) VCF-style: chr16-75682087-C-G.
Other names: short protein forms P103A.
Identifiers: ClinVar variation 3227165 (VCV003227165.1), dbSNP rs760421834, ClinGen allele CA396817638.

ClinVar aggregate classification (germline): Uncertain significance (1 of 4 stars; one submission).

gnomAD v4.1: 1 of 1,551,822 alleles (0.000064%); highest among the groups gnomAD compares: African/African-American, 0.0014%; no homozygotes.

Submission:

Ambry Genetics
Classification: Uncertain significance. Last evaluated: 2023-11-03. Review status: criteria provided, single submitter. Criteria: Ambry Variant Classification Scheme 2023. Collection method: clinical testing. Allele origin: germline.
Comment: The p.P103A variant (also known as c.307C>G), located in coding exon 1 of the TERF2IP gene, results from a C to G substitution at nucleotide position 307. The proline at codon 103 is replaced by alanine, an amino acid with highly similar properties. This amino acid position is conserved. In addition, this alteration is predicted to be tolerated by in silico analysis. Since supporting evidence is limited at this time, the clinical significance of this alteration remains unclear.